The following is an entry in ClinVar:

ClinVar aggregate classification (germline): Likely pathogenic (1 of 4 stars; one submission).

Conditions:
Marfan syndrome (MFS). Also called: MARFAN SYNDROME, TYPE I; Marfan syndrome type 1; Marfan's syndrome; Marfan syndrome, classic; FBN1-Related Marfan Syndrome. Identifiers: Orphanet 284963, Orphanet 558, MedGen C0024796, MONDO:0007947, OMIM 154700.

Submission:

3billion
Classification: Likely pathogenic for Marfan syndrome. Last evaluated: 2024-03-04. Review status: criteria provided, single submitter. Criteria: ACMG Guidelines, 2015. Collection method: clinical testing. Allele origin: germline. Affected: yes.
Comment: The variant is not observed in the gnomAD v2.1.1 dataset. Predicted Consequence/Location: Missense variant In silico tool predictions suggest damaging effect of the variant on gene or gene product [REVEL: 0.97 (>=0.6, sensitivity 0.68 and specificity 0.92); 3Cnet: 0.97 (>=0.6, sensitivity 0.72 and precision 0.9)]. Same nucleotide change resulting in same amino acid change has been previously reported to be associated with FBN1 related disorder (PMID: 27906200).Different missense changes at the same codon (p.Cys476Arg, p.Cys476Gly, p.Cys476Trp, p.Cys476Tyr) have been reported as pathogenic/likely pathogenic with strong evidence (ClinVar ID: VCV000200179, VCV000406325, VCV000970337, VCV001772413 /PMID: 21932315, 7951214). Therefore, this variant is classified as Likely pathogenic according to the recommendation of ACMG/AMP guideline.

Literature cited by the submitters: PubMed 21932315; PubMed 27906200.

NM_000138.5(FBN1):c.1426T>A (p.Cys476Ser)

Gene: FBN1 (fibrillin 1; minus strand). Cytogenetic location: 15q21.1.
Variant type: single nucleotide variant.
Coding change: c.1426T>A on transcript NM_000138.5 (MANE Select); coding-DNA position 1426, T replaced by A.
Protein change: p.Cys476Ser; replaces cysteine 476 with serine.
Molecular consequence: missense variant.
Genome position (GRCh38, 1-based): chr15:48,515,429, A>T on the plus strand (T>A on the coding strand, the complement: FBN1 is on the minus strand). VCF-style: chr15-48515429-A-T. GRCh37 (hg19) VCF-style: chr15-48807626-A-T.
Other names: c.1426T>A, p.Cys476Ser (NM_001406716.1); short protein forms C476S.
Identifiers: ClinVar variation 3775330 (VCV003775330.1).
Genomic context (GRCh38, chr15:48,515,429, plus strand): 5'-CTAGGATGGATCACGTACCAATACACTCCCCACGGAGGTCCAGCTGGAACCCTTTGTTGC[A>T]CTCACACCGGTAACTCCCAGGAGTTGGAATGCAGCGTCCATTTTGACAGAGATAGCGGAC-3'
Protein context (NP_000129.3, residues 466-486): IPTPGSYRCE[Cys476Ser]NKGFQLDLRG